The following is an entry in ClinVar:

NM_153485.3(NUP155):c.3226C>T (p.Arg1076Cys)

Gene: NUP155 (nucleoporin 155; minus strand). Cytogenetic location: 5p13.2.
Variant type: single nucleotide variant.
Coding change: c.3226C>T on transcript NM_153485.3 (MANE Select); coding-DNA position 3226, C replaced by T.
Protein change: p.Arg1076Cys; replaces arginine 1076 with cysteine.
Molecular consequence: missense variant.
Genome position (GRCh38, 1-based): chr5:37,303,351, G>A on the plus strand (C>T on the coding strand, the complement: NUP155 is on the minus strand). VCF-style: chr5-37303351-G-A. GRCh37 (hg19) VCF-style: chr5-37303453-G-A.
Other names: c.3034C>T, p.Arg1012Cys (NM_001278312.2); c.3049C>T, p.Arg1017Cys (NM_004298.4); short protein forms R1017C, R1076C, R1012C.
Identifiers: ClinVar variation 1032504 (VCV001032504.1), dbSNP rs376467373, ClinGen allele CA3239491.

ClinVar aggregate classification (germline): Uncertain significance (1 of 4 stars; one submission).

Conditions:
Atrial fibrillation, familial, 15 (ATFB15). Also called: Atrial fibrillation 15. Identifiers: MedGen C4014269, MONDO:0014340, OMIM 615770.

Allele frequency attached by ClinVar (database versions not stated): gnomAD 0.00001; TOPMed 0.00001; ExAC 0.00002; gnomAD exomes 0.00002; ESP Exome Variant Server 0.00008.
gnomAD v4.1: 19 of 1,613,798 alleles (0.0012%); highest among the groups gnomAD compares: African/African-American, 0.0027%; no homozygotes.

Submission:

Baylor Genetics
Classification: Uncertain significance for Atrial fibrillation, familial, 15. Last evaluated: 2018-03-30. Review status: criteria provided, single submitter. Criteria: ACMG Guidelines, 2015. Collection method: clinical testing. Allele origin: paternal. Affected: yes.
Comment: This variant was determined to be of uncertain significance according to ACMG Guidelines, 2015 [PMID:25741868].